The following is an entry in ClinVar:

NM_000147.5(FUCA1):c.662+3A>G

Gene: FUCA1 (alpha-L-fucosidase 1; minus strand). Cytogenetic location: 1p36.11.
Variant type: single nucleotide variant.
Coding change: c.662+3A>G on transcript NM_000147.5 (MANE Select); 3 bases into the intron after coding-DNA position 662, A replaced by G.
Molecular consequence: intron variant.
Genome position (GRCh38, 1-based): chr1:23,863,131, T>C on the plus strand (A>G on the coding strand, the complement: FUCA1 is on the minus strand). VCF-style: chr1-23863131-T-C. GRCh37 (hg19) VCF-style: chr1-24189621-T-C.
Identifiers: ClinVar variation 2114006 (VCV002114006.3), dbSNP rs2521730319, ClinGen allele CA2580062579.

ClinVar aggregate classification (germline): Uncertain significance (1 of 4 stars; one submission).

Conditions:
Fucosidosis. Also called: ALPHA-L-FUCOSIDASE DEFICIENCY. Identifiers: Orphanet 349, MedGen C0016788, MONDO:0009254, OMIM 230000.

Submission:

Labcorp Genetics (formerly Invitae), Labcorp
Classification: Uncertain significance for Fucosidosis. Last evaluated: 2024-08-19. Review status: criteria provided, single submitter. Criteria: Invitae Variant Classification Sherloc (09022015). Collection method: clinical testing. Allele origin: germline.
Comment: This sequence change falls in intron 3 of the FUCA1 gene. It does not directly change the encoded amino acid sequence of the FUCA1 protein. It affects a nucleotide within the consensus splice site. This variant is not present in population databases (gnomAD no frequency). This variant has not been reported in the literature in individuals affected with FUCA1-related conditions. ClinVar contains an entry for this variant (Variation ID: 2114006). Variants that disrupt the consensus splice site are a relatively common cause of aberrant splicing (PMID: 17576681, 9536098). Algorithms developed to predict the effect of sequence changes on RNA splicing suggest that this variant is not likely to affect RNA splicing. In summary, the available evidence is currently insufficient to determine the role of this variant in disease. Therefore, it has been classified as a Variant of Uncertain Significance.

Literature cited by the submitters: PubMed 17576681; PubMed 9536098.